The following is an entry in ClinVar:

NM_199355.4(ADAMTS18):c.2380C>G (p.Leu794Val)

Gene: ADAMTS18 (ADAM metallopeptidase with thrombospondin type 1 motif 18; minus strand). Cytogenetic location: 16q23.1.
Variant type: single nucleotide variant.
Coding change: c.2380C>G on transcript NM_199355.4 (MANE Select); coding-DNA position 2380, C replaced by G.
Protein change: p.Leu794Val; replaces leucine 794 with valine.
Molecular consequence: missense variant.
Genome position (GRCh38, 1-based): chr16:77,320,001, G>C on the plus strand (C>G on the coding strand, the complement: ADAMTS18 is on the minus strand). VCF-style: chr16-77320001-G-C. GRCh37 (hg19) VCF-style: chr16-77353898-G-C.
Other names: c.1864C>G, p.Leu622Val (NM_001326358.2); c.2380C>G (NM_199355.2); short protein forms L622V, L794V.
Identifiers: ClinVar variation 838682 (VCV000838682.11), dbSNP rs140703904, ClinGen allele CA8180926.

ClinVar aggregate classification (germline): Conflicting classifications of pathogenicity. Review status: criteria provided, conflicting classifications (1 of 4 stars). 5 submissions from 5 submitters: Uncertain significance (3); Likely benign (1). 1 of the submissions does not count toward it. Last evaluated 2025-11-11.

Conditions:
Inborn genetic diseases. Identifiers: MedGen C0950123, MeSH D030342.
ADAMTS18-related disorder. Also called: ADAMTS18-related condition.

Allele frequency attached by ClinVar (database versions not stated): 1000 Genomes Project 0.00060; 1000 Genomes Project 30x 0.00062; ESP Exome Variant Server 0.00062; TOPMed 0.00066.
gnomAD v4.1: 240 of 1,614,158 alleles (0.015%); highest among the groups gnomAD compares: African/African-American, 0.19%; no homozygotes.

Submissions (5):

Ambry Genetics
Classification: Uncertain significance for Inborn genetic diseases. Last evaluated: 2025-11-11. Review status: criteria provided, single submitter. Criteria: Ambry Variant Classification Scheme 2023. Collection method: clinical testing. Allele origin: germline.

Blueprint Genetics
Classification: Likely benign. Last evaluated: 2024-05-23. Review status: criteria provided, single submitter. Criteria: ACMG Guidelines, 2015. Collection method: clinical testing. Allele origin: germline.

Labcorp Genetics (formerly Invitae), Labcorp
Classification: Uncertain significance. Last evaluated: 2024-01-20. Review status: criteria provided, single submitter. Criteria: Invitae Variant Classification Sherloc (09022015). Collection method: clinical testing. Allele origin: germline.
Comment: This sequence change replaces leucine, which is neutral and non-polar, with valine, which is neutral and non-polar, at codon 794 of the ADAMTS18 protein (p.Leu794Val). This variant is present in population databases (rs140703904, gnomAD 0.2%). This variant has not been reported in the literature in individuals affected with ADAMTS18-related conditions. ClinVar contains an entry for this variant (Variation ID: 838682). An algorithm developed to predict the effect of missense changes on protein structure and function (PolyPhen-2) suggests that this variant¬†is likely to be tolerated. In summary, the available evidence is currently insufficient to determine the role of this variant in disease. Therefore, it has been classified as a Variant of Uncertain Significance.

Breakthrough Genomics
Classification: Uncertain significance. Review status: criteria provided, single submitter. Criteria: ACMG Guidelines, 2015. Collection method: not provided. Allele origin: germline. Inheritance: Autosomal recessive inheritance. Affected: yes.

PreventionGenetics, part of Exact Sciences
Classification: Likely benign for ADAMTS18-related condition. Last evaluated: 2022-06-21. Review status: no assertion criteria provided. Collection method: clinical testing. Allele origin: germline. Not counted in ClinVar's aggregate classification.
Comment: This variant is classified as likely benign based on ACMG/AMP sequence variant interpretation guidelines (Richards et al. 2015 PMID: 25741868, with internal and published modifications).